The following is an entry in ClinVar:

ClinVar aggregate classification (germline): Likely benign. Review status: criteria provided, single submitter (1 of 4 stars). 2 submissions from 2 submitters: Likely benign (1). 1 of the submissions does not count toward it. Last evaluated 2022-11-01.

Conditions:
PPP2R1B-related disorder. Also called: PPP2R1B-related condition.

Allele frequency attached by ClinVar (database versions not stated): gnomAD exomes 0.00737; 1000 Genomes Project 0.00200; ExAC 0.00566; gnomAD 0.00628; ESP Exome Variant Server 0.00762; 1000 Genomes Project 30x 0.00203; TOPMed 0.00643.
gnomAD v4.1: 11,719 of 1,614,200 alleles (0.73%); highest among the groups gnomAD compares: Middle Eastern, 1.6%; 77 homozygotes.

Submissions (2):

CeGaT Center for Human Genetics Tuebingen
Classification: Likely benign. Last evaluated: 2022-11-01. Review status: criteria provided, single submitter. Criteria: CeGaT Center For Human Genetics Tuebingen Variant Classification Criteria Version 2. Collection method: clinical testing. Allele origin: germline. Affected: yes. Observed: 2 variant alleles.
Comment: PPP2R1B: BP4, BS2

PreventionGenetics, part of Exact Sciences
Classification: Benign for PPP2R1B-related condition. Last evaluated: 2019-06-10. Review status: no assertion criteria provided. Collection method: clinical testing. Allele origin: germline. Not counted in ClinVar's aggregate classification.
Comment: This variant is classified as benign based on ACMG/AMP sequence variant interpretation guidelines (Richards et al. 2015 PMID: 25741868, with internal and published modifications).

NM_181700.2(PPP2R1B):c.1675A>T (p.Asn559Tyr)

Gene: PPP2R1B (protein phosphatase 2 scaffold subunit Abeta; minus strand). Cytogenetic location: 11q23.1.
Variant type: single nucleotide variant.
Coding change: c.1675A>T on transcript NM_181700.2; coding-DNA position 1675, A replaced by T.
Protein change: p.Asn559Tyr; replaces asparagine 559 with tyrosine.
Molecular consequence: missense variant.
Genome position (GRCh38, 1-based): chr11:111,737,492, T>A on the plus strand (A>T on the coding strand, the complement: PPP2R1B is on the minus strand). VCF-style: chr11-111737492-T-A. GRCh37 (hg19) VCF-style: chr11-111608216-T-A.
Other names: c.1867A>T, p.Asn623Tyr (NM_181699.3); short protein forms N559Y, N623Y.
Identifiers: ClinVar variation 2642364 (VCV002642364.23), dbSNP rs61756429, ClinGen allele CA6273638.